The following is an entry in ClinVar:

ClinVar aggregate classification (germline): Uncertain significance (1 of 4 stars; one submission).

Conditions:
Kabuki syndrome. Also called: NIIKAWA-KUROKI SYNDROME; Kabuki make-up syndrome. Identifiers: Orphanet 2322, MedGen C0796004, MONDO:0016512.

Allele frequency attached by ClinVar (database versions not stated): TOPMed 0.00002; gnomAD 0.00002.

Submission:

Labcorp Genetics (formerly Invitae), Labcorp
Classification: Uncertain significance for Kabuki syndrome. Last evaluated: 2025-10-14. Review status: criteria provided, single submitter. Criteria: Invitae Variant Classification Sherloc (09022015). Collection method: clinical testing. Allele origin: germline.
Comment: This variant, c.11793_11801del, results in the deletion of 3 amino acid(s) of the KMT2D protein (p.Gln3937_Gln3939del), but otherwise preserves the integrity of the reading frame. The frequency data for this variant in the population databases is considered unreliable, as metrics indicate poor data quality at this position in the gnomAD database. This variant has not been reported in the literature in individuals affected with KMT2D-related conditions. ClinVar contains an entry for this variant (Variation ID: 2030090). Experimental studies and prediction algorithms are not available or were not evaluated, and the functional significance of this variant is currently unknown. In summary, the available evidence is currently insufficient to determine the role of this variant in disease. Therefore, it has been classified as a Variant of Uncertain Significance.

NM_003482.4(KMT2D):c.11793_11801del (p.Gln3937_Gln3939del)

Gene: KMT2D (lysine methyltransferase 2D; minus strand). Cytogenetic location: 12q13.12.
Variant type: Deletion.
Coding change: c.11793_11801del on transcript NM_003482.4 (MANE Select); coding-DNA positions 11793 to 11801, 9 bases deleted (TCAACAGCA; older notation c.11793_11801delTCAACAGCA).
Protein change: p.Gln3937_Gln3939del.
Molecular consequence: inframe deletion.
Genome position (GRCh38, 1-based): chr12:49,032,904-49,032,912, TGCTGTTGA deleted on the plus strand (TCAACAGCA on the coding strand, the reverse complement: KMT2D is on the minus strand). VCF-style (leftmost placement, unchanged base first): chr12-49032903-CTGCTGTTGA-C. GRCh37 (hg19) VCF-style: chr12-49426686-CTGCTGTTGA-C.
Identifiers: ClinVar variation 2030090 (VCV002030090.4), dbSNP rs1229212259, ClinGen allele CA605233616.